The following is an entry in ClinVar:

NM_004733.4(SLC33A1):c.1457A>G (p.Asn486Ser)

Gene: SLC33A1 (solute carrier family 33 member 1; minus strand). Cytogenetic location: 3q25.31.
Variant type: single nucleotide variant.
Coding change: c.1457A>G on transcript NM_004733.4 (MANE Select); coding-DNA position 1457, A replaced by G.
Protein change: p.Asn486Ser; replaces asparagine 486 with serine.
Molecular consequence: missense variant.
Genome position (GRCh38, 1-based): chr3:155,829,713, T>C on the plus strand (A>G on the coding strand, the complement: SLC33A1 is on the minus strand). VCF-style: chr3-155829713-T-C. GRCh37 (hg19) VCF-style: chr3-155547502-T-C.
Other names: c.1457A>G, p.Asn486Ser (NM_001190992.2); c.1151A>G, p.Asn384Ser (NM_001363883.1); short protein forms N486S, N384S.
Identifiers: ClinVar variation 1499808 (VCV001499808.8), dbSNP rs745849692, ClinGen allele CA85812885.

ClinVar aggregate classification (germline): Uncertain significance (1 of 4 stars; one submission).

Conditions:
Spastic paraplegia. Identifiers: MedGen C0037772, HP:0001258.

Allele frequency attached by ClinVar (database versions not stated): gnomAD exomes below 0.00001 and 0.00002; gnomAD 0.00001; TOPMed 0.00001.
gnomAD v4.1: 38 of 1,613,722 alleles (0.0024%); highest among the groups gnomAD compares: Non-Finnish European, 0.0029%; no homozygotes.

Submission:

Labcorp Genetics (formerly Invitae), Labcorp
Classification: Uncertain significance for Spastic paraplegia. Last evaluated: 2023-10-13. Review status: criteria provided, single submitter. Criteria: Invitae Variant Classification Sherloc (09022015). Collection method: clinical testing. Allele origin: germline.
Comment: This sequence change replaces asparagine, which is neutral and polar, with serine, which is neutral and polar, at codon 486 of the SLC33A1 protein (p.Asn486Ser). This variant is present in population databases (rs745849692, gnomAD 0.003%). This variant has not been reported in the literature in individuals affected with SLC33A1-related conditions. ClinVar contains an entry for this variant (Variation ID: 1499808). Advanced modeling of protein sequence and biophysical properties (such as structural, functional, and spatial information, amino acid conservation, physicochemical variation, residue mobility, and thermodynamic stability) performed at Invitae indicates that this missense variant is not expected to disrupt SLC33A1 protein function. In summary, the available evidence is currently insufficient to determine the role of this variant in disease. Therefore, it has been classified as a Variant of Uncertain Significance.